The following is an entry in ClinVar:

NM_000059.4(BRCA2):c.7141C>G (p.Pro2381Ala)

Gene: BRCA2 (BRCA2 DNA repair associated; plus strand). Cytogenetic location: 13q13.1.
Variant type: single nucleotide variant.
Coding change: c.7141C>G on transcript NM_000059.4 (MANE Select); coding-DNA position 7141, C replaced by G.
Protein change: p.Pro2381Ala; replaces proline 2381 with alanine.
Molecular consequence: missense variant.
Genome position (GRCh38, 1-based): chr13:32,354,994, C>G. VCF-style: chr13-32354994-C-G. GRCh37 (hg19) VCF-style: chr13-32929131-C-G.
Other names: short protein forms P2381A.
Identifiers: ClinVar variation 441394 (VCV000441394.20), dbSNP rs777305503, ClinGen allele CA6941062.

ClinVar aggregate classification (germline): Conflicting classifications of pathogenicity. Review status: criteria provided, conflicting classifications (1 of 4 stars). 8 submissions from 8 submitters: Uncertain significance (7); Likely benign (1). Last evaluated 2025-12-08.

Conditions:
Familial cancer of breast. Also called: BREAST CANCER, FAMILIAL; hereditary breast carcinoma; Hereditary breast cancer. Identifiers: Orphanet 227535, MedGen C0346153, MONDO:0016419, OMIM 114480. Disease mechanism: loss of function.
Hereditary breast ovarian cancer syndrome. Also called: Hereditary breast and ovarian cancer; Hereditary breast and ovarian cancer syndrome; Hereditary breast and ovarian cancer syndrome (HBOC); BRCA1- and BRCA2-Associated Hereditary Breast and Ovarian Cancer; Breast and ovarian cancer; Hereditary breast and/or ovarian cancer syndrome. Identifiers: Orphanet 145, MedGen C0677776, MeSH D061325, MONDO:0003582. Disease mechanism: loss of function.
Hereditary cancer-predisposing syndrome. Also called: Tumor predisposition; Hereditary Cancer Syndrome; Neoplastic Syndromes, Hereditary; Hereditary neoplastic syndrome. Identifiers: Orphanet 140162, MedGen C0027672, MeSH D009386, MONDO:0015356.

Allele frequency attached by ClinVar (database versions not stated): gnomAD exomes below 0.00001; ExAC 0.00001.

Submissions (8):

Labcorp Genetics (formerly Invitae), Labcorp
Classification: Uncertain significance for Hereditary breast ovarian cancer syndrome. Last evaluated: 2025-12-08. Review status: criteria provided, single submitter. Criteria: Invitae Variant Classification Sherloc (09022015). Collection method: clinical testing. Allele origin: germline.
Comment: This sequence change replaces proline, which is neutral and non-polar, with alanine, which is neutral and non-polar, at codon 2381 of the BRCA2 protein (p.Pro2381Ala). This variant is present in population databases (rs777305503, gnomAD no frequency). This variant has not been reported in the literature in individuals affected with BRCA2-related conditions. ClinVar contains an entry for this variant (Variation ID: 441394). Invitae Evidence Modeling of protein sequence and biophysical properties (such as structural, functional, and spatial information, amino acid conservation, physicochemical variation, residue mobility, and thermodynamic stability) indicates that this missense variant is not expected to disrupt BRCA2 protein function with a negative predictive value of 95%. In summary, the available evidence is currently insufficient to determine the role of this variant in disease. Therefore, it has been classified as a Variant of Uncertain Significance.

GeneDx
Classification: Uncertain significance. Last evaluated: 2024-11-21. Review status: criteria provided, single submitter. Criteria: GeneDx Variant Classification Process June 2021. Collection method: clinical testing. Allele origin: germline. Affected: yes.
Comment: Not observed at significant frequency in large population cohorts (gnomAD); Published functional studies demonstrate cell viability and drug sensitivity comparable to wild type (PMID: 37922907); Absent from cases but present in controls in a breast cancer case-control study (PMID: 33471991); In silico analysis indicates that this missense variant does not alter protein structure/function; Also known as 7369C>G; This variant is associated with the following publications: (PMID: 33471991, 31853058, 29884841, 37922907)

Blueprint Genetics
Classification: Uncertain significance. Last evaluated: 2024-08-06. Review status: criteria provided, single submitter. Criteria: ACMG Guidelines, 2015. Collection method: clinical testing. Allele origin: germline.

Baylor Genetics
Classification: Uncertain significance for Familial cancer of breast. Last evaluated: 2024-02-22. Review status: criteria provided, single submitter. Criteria: ACMG Guidelines, 2015. Collection method: clinical testing. Allele origin: unknown.

Ambry Genetics
Classification: Likely benign for Hereditary cancer-predisposing syndrome. Last evaluated: 2022-12-30. Review status: criteria provided, single submitter. Criteria: Ambry Variant Classification Scheme 2023. Collection method: clinical testing. Allele origin: germline.

Quest Diagnostics Nichols Institute San Juan Capistrano
Classification: Uncertain significance. Last evaluated: 2022-11-17. Review status: criteria provided, single submitter. Criteria: Quest Diagnostics criteria. Collection method: clinical testing. Allele origin: unknown.
Comment: The frequency of this variant in the general population, 0.000004 (1/251220 chromosomes), is uninformative in assessment of its pathogenicity. In the published literature, the variant has been reported in a large breast cancer association study in an unaffected individual (PMID: 33471991 (2021)). Analysis of this variant using bioinformatics tools for the prediction of the effect of amino acid changes on protein structure and function yielded conflicting predictions that this variant is benign or damaging. Based on the available information, we are unable to determine the clinical significance of this variant.

Color Diagnostics, LLC DBA Color Health
Classification: Uncertain significance for Hereditary cancer-predisposing syndrome. Last evaluated: 2022-11-15. Review status: criteria provided, single submitter. Criteria: ACMG Guidelines, 2015. Collection method: clinical testing. Allele origin: germline.
Comment: This missense variant replaces proline with alanine at codon 2381 of the BRCA2 protein. Computational prediction suggests that this variant may not impact protein structure and function (internally defined REVEL score threshold <= 0.5, PMID: 27666373). To our knowledge, functional studies have not been reported for this variant. This variant has not been reported in individuals affected with BRCA2-related disorders in the literature. This variant has been identified in 1/251220 chromosomes in the general population by the Genome Aggregation Database (gnomAD). The available evidence is insufficient to determine the role of this variant in disease conclusively. Therefore, this variant is classified as a Variant of Uncertain Significance.

Women's Health and Genetics/Laboratory Corporation of America, LabCorp
Classification: Uncertain significance. Last evaluated: 2017-01-03. Review status: criteria provided, single submitter. Criteria: LabCorp Variant Classification Summary - May 2015. Collection method: clinical testing. Allele origin: germline.
Comment: Variant summary: The BRCA2 c.7141C>G (p.Pro2381Ala) variant involves the alteration of a non-conserved nucleotide. 3/5 in silico tools predict a damaging outcome for this variant. This variant was found in 1/121360 control chromosomes at a frequency of 0.0000082, which does not exceed the estimated maximal expected allele frequency of a pathogenic BRCA2 variant (0.0007503). The variant of interest has not, to our knowledge, been reported in affected individuals via publications and/or reputable databases/clinical diagnostic laboratories; nor evaluated for functional impact by in vivo/vitro studies. Because of the absence of clinical information and the lack of functional studies, the variant is classified as a variant of uncertain significance (VUS) until additional information becomes available.

Literature cited by the submitters: PubMed 33471991 (cited by Quest Diagnostics Nichols Institute San Juan Capistrano).